The following is an entry in ClinVar:

ClinVar aggregate classification (germline): Uncertain significance (1 of 4 stars; one submission).

Conditions:
Inborn genetic diseases. Identifiers: MedGen C0950123, MeSH D030342.

Submission:

Ambry Genetics
Classification: Uncertain significance for Inborn genetic diseases. Last evaluated: 2025-08-14. Review status: criteria provided, single submitter. Criteria: Ambry Variant Classification Scheme 2023. Collection method: clinical testing. Allele origin: germline.
Comment: The p.N210D variant (also known as c.628A>G), located in coding exon 6 of the PAX5 gene, results from an A to G substitution at nucleotide position 628. The asparagine at codon 210 is replaced by aspartic acid, an amino acid with highly similar properties. This amino acid position is conserved. In addition, the in silico prediction for this alteration is inconclusive. Based on the available evidence, the clinical significance of this variant remains unclear.

NM_016734.3(PAX5):c.628A>G (p.Asn210Asp)

Gene: PAX5 (paired box 5; minus strand). Cytogenetic location: 9p13.2.
Variant type: single nucleotide variant.
Coding change: c.628A>G on transcript NM_016734.3 (MANE Select); coding-DNA position 628, A replaced by G.
Protein change: p.Asn210Asp; replaces asparagine 210 with aspartic acid.
Molecular consequence: missense variant. On other transcripts: non-coding transcript variant (2).
Genome position (GRCh38, 1-based): chr9:36,966,701, T>C on the plus strand (A>G on the coding strand, the complement: PAX5 is on the minus strand). VCF-style: chr9-36966701-T-C. GRCh37 (hg19) VCF-style: chr9-36966698-T-C.
Other names: c.628A>G, p.Asn210Asp (NM_001280549.2, NM_001280550.2, NM_001280552.2 and 2 more transcripts); c.304A>G, p.Asn102Asp (NM_001280551.2, NM_001280556.2); c.499A>G, p.Asn167Asp (NM_001280553.2, NM_001280554.2); c.430A>G, p.Asn144Asp (NM_001280555.2); short protein forms N167D, N210D, N102D, N144D.
Identifiers: ClinVar variation 4131428 (VCV004131428.1).